The following is an entry in ClinVar:

NM_000063.6(C2):c.1364T>C (p.Val455Ala)

Gene: C2 (complement C2; plus strand). Cytogenetic location: 6p21.33.
Variant type: single nucleotide variant.
Coding change: c.1364T>C on transcript NM_000063.6 (MANE Select); coding-DNA position 1364, T replaced by C.
Protein change: p.Val455Ala; replaces valine 455 with alanine.
Molecular consequence: missense variant.
Genome position (GRCh38, 1-based): chr6:31,943,228, T>C. VCF-style: chr6-31943228-T-C. GRCh37 (hg19) VCF-style: chr6-31911005-T-C.
Other names: c.968T>C, p.Val323Ala (NM_001145903.3); c.722T>C, p.Val241Ala (NM_001178063.3); c.626T>C, p.Val209Ala (NM_001282457.2); c.1277T>C, p.Val426Ala (NM_001282458.2); short protein forms V241A, V209A, V426A, V455A, V323A.
Identifiers: ClinVar variation 1985798 (VCV001985798.1), dbSNP rs146926555, ClinGen allele CA3727694.

ClinVar aggregate classification (germline): Uncertain significance (1 of 4 stars; one submission).

Allele frequency attached by ClinVar (database versions not stated): gnomAD exomes 0.00001; ExAC 0.00003; gnomAD 0.00007; TOPMed 0.00007; ESP Exome Variant Server 0.00036.
gnomAD v4.1: 19 of 1,612,688 alleles (0.0012%); highest among the groups gnomAD compares: African/African-American, 0.02%; no homozygotes.

Submission:

Labcorp Genetics (formerly Invitae), Labcorp
Classification: Uncertain significance. Last evaluated: 2022-02-12. Review status: criteria provided, single submitter. Criteria: Invitae Variant Classification Sherloc (09022015). Collection method: clinical testing. Allele origin: germline.
Comment: This sequence change replaces valine, which is neutral and non-polar, with alanine, which is neutral and non-polar, at codon 455 of the C2 protein (p.Val455Ala). This variant is present in population databases (rs146926555, gnomAD 0.02%). This variant has not been reported in the literature in individuals affected with C2-related conditions. Algorithms developed to predict the effect of missense changes on protein structure and function are either unavailable or do not agree on the potential impact of this missense change (SIFT: "Deleterious"; PolyPhen-2: "Benign"; Align-GVGD: "Class C55"). In summary, the available evidence is currently insufficient to determine the role of this variant in disease. Therefore, it has been classified as a Variant of Uncertain Significance.